The following is an entry in ClinVar:

NM_001111067.4(ACVR1):c.1406C>G (p.Ser469Cys)

Gene: ACVR1 (activin A receptor type 1; minus strand). Cytogenetic location: 2q24.1.
Variant type: single nucleotide variant.
Coding change: c.1406C>G on transcript NM_001111067.4 (MANE Select); coding-DNA position 1406, C replaced by G.
Protein change: p.Ser469Cys; replaces serine 469 with cysteine.
Molecular consequence: missense variant.
Genome position (GRCh38, 1-based): chr2:157,737,655, G>C on the plus strand (C>G on the coding strand, the complement: ACVR1 is on the minus strand). VCF-style: chr2-157737655-G-C. GRCh37 (hg19) VCF-style: chr2-158594167-G-C.
Other names: c.1406C>G (NM_001105.4); c.1406C>G, p.Ser469Cys (NM_001105.5, NM_001347663.1, NM_001347664.1 and 3 more transcripts); short protein forms S469C.
Identifiers: ClinVar variation 1925738 (VCV001925738.6), dbSNP rs989403918, ClinGen allele CA59276613.

ClinVar aggregate classification (germline): Uncertain significance. Review status: criteria provided, multiple submitters, no conflicts (2 of 4 stars). 2 submissions from 2 submitters: Uncertain significance (2). Last evaluated 2025-10-07.

Conditions:
Inborn genetic diseases. Identifiers: MedGen C0950123, MeSH D030342.

Allele frequency attached by ClinVar (database versions not stated): TOPMed 0.00002; gnomAD 0.00003.
gnomAD v4.1: 8 of 1,614,018 alleles (0.0005%); highest among the groups gnomAD compares: African/African-American, 0.0013%; no homozygotes.

Submissions (2):

Ambry Genetics
Classification: Uncertain significance for Inborn genetic diseases. Last evaluated: 2025-10-07. Review status: criteria provided, single submitter. Criteria: Ambry Variant Classification Scheme 2023. Collection method: clinical testing. Allele origin: germline.

Labcorp Genetics (formerly Invitae), Labcorp
Classification: Uncertain significance. Last evaluated: 2025-09-26. Review status: criteria provided, single submitter. Criteria: Invitae Variant Classification Sherloc (09022015). Collection method: clinical testing. Allele origin: germline.
Comment: This sequence change replaces serine, which is neutral and polar, with cysteine, which is neutral and slightly polar, at codon 469 of the ACVR1 protein (p.Ser469Cys). This variant is present in population databases (no rsID available, gnomAD 0.003%). This variant has not been reported in the literature in individuals affected with ACVR1-related conditions. This missense change has been observed in at least one individual who was not affected with ACVR1-related conditions (internal data). ClinVar contains an entry for this variant (Variation ID: 1925738). An algorithm developed to predict the effect of missense changes on protein structure and function (PolyPhen-2) suggests that this variant is likely to be disruptive. In summary, the available evidence is currently insufficient to determine the role of this variant in disease. Therefore, it has been classified as a Variant of Uncertain Significance.